The following is an entry in ClinVar:

NM_005051.3(QARS1):c.1758G>C (p.Lys586Asn)

Gene: QARS1 (glutaminyl-tRNA synthetase 1; minus strand). Cytogenetic location: 3p21.31.
Variant type: single nucleotide variant.
Coding change: c.1758G>C on transcript NM_005051.3 (MANE Select); coding-DNA position 1758, G replaced by C.
Protein change: p.Lys586Asn; replaces lysine 586 with asparagine.
Molecular consequence: missense variant. On other transcripts: non-coding transcript variant (1).
Genome position (GRCh38, 1-based): chr3:49,099,110, C>G on the plus strand (G>C on the coding strand, the complement: QARS1 is on the minus strand). VCF-style: chr3-49099110-C-G. GRCh37 (hg19) VCF-style: chr3-49136543-C-G.
Other names: c.1725G>C, p.Lys575Asn (NM_001272073.2); short protein forms K586N, K575N.
Identifiers: ClinVar variation 1436446 (VCV001436446.5), dbSNP rs2107098742, ClinGen allele CA352701804.
Genomic context (GRCh38, chr3:49,099,110, plus strand): 5'-GAGCCAAGTGTACCCCCAGCTACACACACACATGTGACACACATGTTGAGGCAGGCCCAC[C>G]TTGGCAGCAGGAAAGTTGGTGATGATGACCCGTAGTGACTCCAGCACAGCCATGGCTCGT-3'
Protein context (NP_005042.1, residues 576-596): RVIITNFPAA[Lys586Asn]SLDIQVPNFP

ClinVar aggregate classification (germline): Uncertain significance (1 of 4 stars; one submission).

Conditions:
Diffuse cerebral and cerebellar atrophy - intractable seizures - progressive microcephaly syndrome. Also called: Microcephaly, progressive, with seizures and cerebral and cerebellar atrophy. Identifiers: Orphanet 404437, MedGen C4014239, MONDO:0014335, OMIM 615760.

Submission:

Labcorp Genetics (formerly Invitae), Labcorp
Classification: Uncertain significance for Diffuse cerebral and cerebellar atrophy - intractable seizures - progressive microcephaly syndrome. Last evaluated: 2022-06-20. Review status: criteria provided, single submitter. Criteria: Invitae Variant Classification Sherloc (09022015). Collection method: clinical testing. Allele origin: germline.
Comment: This sequence change replaces lysine, which is basic and polar, with asparagine, which is neutral and polar, at codon 586 of the QARS protein (p.Lys586Asn). This variant also falls at the last nucleotide of exon 18, which is part of the consensus splice site for this exon. This variant is not present in population databases (gnomAD no frequency). This variant has not been reported in the literature in individuals affected with QARS-related conditions. Algorithms developed to predict the effect of missense changes on protein structure and function (SIFT, PolyPhen-2, Align-GVGD) all suggest that this variant is likely to be tolerated. Variants that disrupt the consensus splice site are a relatively common cause of aberrant splicing (PMID: 17576681, 9536098). Algorithms developed to predict the effect of sequence changes on RNA splicing suggest that this variant may disrupt the consensus splice site. In summary, the available evidence is currently insufficient to determine the role of this variant in disease. Therefore, it has been classified as a Variant of Uncertain Significance.

Literature cited by the submitters: PubMed 17576681; PubMed 9536098.